The following is an entry in ClinVar:

NM_001160148.2(DDHD1):c.1503+10A>T

Gene: DDHD1 (DDHD domain containing 1; minus strand). Cytogenetic location: 14q22.1.
Variant type: single nucleotide variant.
Coding change: c.1503+10A>T on transcript NM_001160148.2 (MANE Select); 10 bases into the intron after coding-DNA position 1503, A replaced by T.
Molecular consequence: intron variant.
Genome position (GRCh38, 1-based): chr14:53,072,587, T>A on the plus strand (A>T on the coding strand, the complement: DDHD1 is on the minus strand). VCF-style: chr14-53072587-T-A. GRCh37 (hg19) VCF-style: chr14-53539305-T-A.
Other names: p.?; c.1503+10A>T (NM_030637.3); c.1524+10A>T (NM_001160147.2).
Identifiers: ClinVar variation 238598 (VCV000238598.37), dbSNP rs180742508, ClinGen allele CA7191222.
Genomic context (GRCh38, chr14:53,072,587, plus strand): 5'-TGTAAAAATTCAGGACATTTATAAGCTATCACTAAAAAATACCCACCAGCAAGATAATCA[T>A]GACACTTACTTCATCTCTATAAAGTGGACTAGTATAATACATTATGTCCATTGCACTGCT-3'

ClinVar aggregate classification (germline): Benign/Likely benign. Review status: criteria provided, multiple submitters, no conflicts (2 of 4 stars). 5 submissions from 5 submitters: Benign (2); Likely benign (3). Last evaluated 2026-01-01.

Conditions:
Hereditary spastic paraplegia 28. Also called: Spastic paraplegia 28, autosomal recessive. Identifiers: Orphanet 101008, MedGen C1836295, MONDO:0012256, OMIM 609340.

Allele frequency attached by ClinVar (database versions not stated): ESP Exome Variant Server 0.00254; 1000 Genomes Project 30x 0.00078; 1000 Genomes Project 0.00080; TOPMed 0.00170; gnomAD 0.00191.
gnomAD v4.1: 4,034 of 1,453,538 alleles (0.28%); highest among the groups gnomAD compares: Non-Finnish European, 0.34%; 4 homozygotes.

Submissions (5):

Labcorp Genetics (formerly Invitae), Labcorp
Classification: Benign for Hereditary spastic paraplegia 28. Last evaluated: 2026-01-01. Review status: criteria provided, single submitter. Criteria: Invitae Variant Classification Sherloc (09022015). Collection method: clinical testing. Allele origin: germline.

Blueprint Genetics
Classification: Likely benign. Last evaluated: 2024-11-07. Review status: criteria provided, single submitter. Criteria: ACMG Guidelines, 2015. Collection method: clinical testing. Allele origin: germline.

Mayo Clinic Laboratories, Mayo Clinic
Classification: Benign. Last evaluated: 2024-05-13. Review status: criteria provided, single submitter. Criteria: ACMG Guidelines, 2015. Collection method: clinical testing. Allele origin: germline. Observed: 15 variant alleles.
Comment: BS1, BS2, BP4, BP7

CeGaT Center for Human Genetics Tuebingen
Classification: Likely benign. Last evaluated: 2023-06-01. Review status: criteria provided, single submitter. Criteria: CeGaT Center For Human Genetics Tuebingen Variant Classification Criteria Version 2. Collection method: clinical testing. Allele origin: germline. Affected: yes. Observed: 4 variant alleles.
Comment: DDHD1: BS2

GeneDx
Classification: Likely benign. Last evaluated: 2018-03-05. Review status: criteria provided, single submitter. Criteria: GeneDx Variant Classification (06012015). Collection method: clinical testing. Allele origin: germline. Affected: yes.
Comment: This variant is considered likely benign or benign based on one or more of the following criteria: it is a conservative change, it occurs at a poorly conserved position in the protein, it is predicted to be benign by multiple in silico algorithms, and/or has population frequency not consistent with disease.